The following is an entry in ClinVar:

NM_004360.5(CDH1):c.1192G>A (p.Val398Met)

Gene: CDH1 (cadherin 1; plus strand). Cytogenetic location: 16q22.1.
Variant type: single nucleotide variant.
Coding change: c.1192G>A on transcript NM_004360.5 (MANE Select); coding-DNA position 1192, G replaced by A.
Protein change: p.Val398Met; replaces valine 398 with methionine.
Molecular consequence: missense variant. On other transcripts: 5 prime UTR variant (2), intron variant (1).
Genome position (GRCh38, 1-based): chr16:68,813,367, G>A. VCF-style: chr16-68813367-G-A. GRCh37 (hg19) VCF-style: chr16-68847270-G-A.
Other names: c.-424G>A (NM_001317185.2); c.-628G>A (NM_001317186.2); c.1137+1104G>A (NM_001317184.2); short protein forms V398M.
Identifiers: ClinVar variation 1506353 (VCV001506353.7), dbSNP rs2152133395, ClinGen allele CA396461244.
Genomic context (GRCh38, chr16:68,813,367, plus strand): 5'-CTGCAGTACAAGGGTCAGGTGCCTGAGAACGAGGCTAACGTCGTAATCACCACACTGAAA[G>A]TGACTGATGCTGATGCCCCCAATACCCCAGCGTGGGAGGCTGTATACACCATATTGAATG-3'
Protein context (NP_004351.1, residues 388-408): EANVVITTLK[Val398Met]TDADAPNTPA

ClinVar aggregate classification (germline): Uncertain significance. Review status: criteria provided, multiple submitters, no conflicts (2 of 4 stars). 2 submissions from 2 submitters: Uncertain significance (2). Last evaluated 2023-10-26.

Conditions:
Hereditary diffuse gastric adenocarcinoma (HDGC). Also called: DIFFUSE GASTRIC AND LOBULAR BREAST CANCER SYNDROME. Identifiers: Orphanet 26106, MedGen C1708349, MONDO:0007648, OMIM 137215.
Familial cancer of breast. Also called: hereditary breast carcinoma; Hereditary breast cancer; BREAST CANCER, FAMILIAL. Identifiers: Orphanet 227535, MedGen C0346153, MONDO:0016419, OMIM 114480. Disease mechanism: loss of function.

Submissions (2):

Baylor Genetics
Classification: Uncertain significance for Familial cancer of breast. Last evaluated: 2023-10-26. Review status: criteria provided, single submitter. Criteria: ACMG Guidelines, 2015. Collection method: clinical testing. Allele origin: unknown.

Labcorp Genetics (formerly Invitae), Labcorp
Classification: Uncertain significance for Hereditary diffuse gastric adenocarcinoma. Last evaluated: 2021-07-31. Review status: criteria provided, single submitter. Criteria: Invitae Variant Classification Sherloc (09022015). Collection method: clinical testing. Allele origin: germline.
Comment: In summary, the available evidence is currently insufficient to determine the role of this variant in disease. Therefore, it has been classified as a Variant of Uncertain Significance. Algorithms developed to predict the effect of missense changes on protein structure and function are either unavailable or do not agree on the potential impact of this missense change (SIFT: "Deleterious"; PolyPhen-2: "Probably Damaging"; Align-GVGD: "Class C15"). This variant has not been reported in the literature in individuals affected with CDH1-related conditions. This variant is not present in population databases (ExAC no frequency). This sequence change replaces valine with methionine at codon 398 of the CDH1 protein (p.Val398Met). The valine residue is highly conserved and there is a small physicochemical difference between valine and methionine.